The following is an entry in ClinVar:

NM_007194.4(CHEK2):c.1489G>T (p.Asp497Tyr)

Gene: CHEK2 (checkpoint kinase 2; minus strand). Cytogenetic location: 22q12.1.
Variant type: single nucleotide variant.
Coding change: c.1489G>T on transcript NM_007194.4 (MANE Select); coding-DNA position 1489, G replaced by T.
Protein change: p.Asp497Tyr; replaces aspartic acid 497 with tyrosine.
Molecular consequence: missense variant.
Genome position (GRCh38, 1-based): chr22:28,689,188, C>A on the plus strand (G>T on the coding strand, the complement: CHEK2 is on the minus strand). VCF-style: chr22-28689188-C-A. GRCh37 (hg19) VCF-style: chr22-29085176-C-A.
Other names: c.1618G>T, p.Asp540Tyr (NM_001005735.3); c.826G>T, p.Asp276Tyr (NM_001257387.3); c.1288G>T, p.Asp430Tyr (NM_001349956.3); c.1402G>T, p.Asp468Tyr (NM_145862.3); short protein forms D276Y, D430Y, D468Y, D497Y, D540Y.
Identifiers: ClinVar variation 3226025 (VCV003226025.2), dbSNP rs143965148, ClinGen allele CA411092502.

ClinVar aggregate classification (germline): Uncertain significance. Review status: criteria provided, multiple submitters, no conflicts (2 of 4 stars). 2 submissions from 2 submitters: Uncertain significance (2). Last evaluated 2025-07-22.

Conditions:
Hereditary cancer-predisposing syndrome. Also called: Neoplastic Syndromes, Hereditary; Tumor predisposition; Hereditary neoplastic syndrome; Hereditary Cancer Syndrome. Identifiers: Orphanet 140162, MedGen C0027672, MeSH D009386, MONDO:0015356.
Familial cancer of breast. Also called: BREAST CANCER, FAMILIAL; Hereditary breast cancer; hereditary breast carcinoma. Identifiers: Orphanet 227535, MedGen C0346153, MONDO:0016419, OMIM 114480. Disease mechanism: loss of function.

Submissions (2):

Labcorp Genetics (formerly Invitae), Labcorp
Classification: Uncertain significance for Familial cancer of breast. Last evaluated: 2025-07-22. Review status: criteria provided, single submitter. Criteria: Invitae Variant Classification Sherloc (09022015). Collection method: clinical testing. Allele origin: germline.
Comment: This sequence change replaces aspartic acid, which is acidic and polar, with tyrosine, which is neutral and polar, at codon 497 of the CHEK2 protein (p.Asp497Tyr). This variant is not present in population databases (gnomAD no frequency). This variant has not been reported in the literature in individuals affected with CHEK2-related conditions. ClinVar contains an entry for this variant (Variation ID: 3226025). An algorithm developed to predict the effect of missense changes on protein structure and function (PolyPhen-2) suggests that this variant is likely to be tolerated. In summary, the available evidence is currently insufficient to determine the role of this variant in disease. Therefore, it has been classified as a Variant of Uncertain Significance.

Ambry Genetics
Classification: Uncertain significance for Hereditary cancer-predisposing syndrome. Last evaluated: 2024-02-13. Review status: criteria provided, single submitter. Criteria: Ambry Variant Classification Scheme 2023. Collection method: clinical testing. Allele origin: germline.
Comment: The p.D497Y variant (also known as c.1489G>T), located in coding exon 13 of the CHEK2 gene, results from a G to T substitution at nucleotide position 1489. The aspartic acid at codon 497 is replaced by tyrosine, an amino acid with highly dissimilar properties. This amino acid position is conserved. In addition, this alteration is predicted to be tolerated by in silico analysis. Based on the available evidence, the clinical significance of this alteration remains unclear.